The following is an entry in ClinVar:

NM_017514.5(PLXNA3):c.1678G>A (p.Val560Ile)

Gene: PLXNA3 (plexin A3; plus strand). Cytogenetic location: Xq28.
Variant type: single nucleotide variant.
Coding change: c.1678G>A on transcript NM_017514.5 (MANE Select); coding-DNA position 1678, G replaced by A.
Protein change: p.Val560Ile; replaces valine 560 with isoleucine.
Molecular consequence: missense variant.
Genome position (GRCh38, 1-based): chrX:154,464,163, G>A. VCF-style: chrX-154464163-G-A. GRCh37 (hg19) VCF-style: chrX-153692506-G-A.
Other names: c.1678G>A (NM_017514.3); short protein forms V560I.
Identifiers: ClinVar variation 3036191 (VCV003036191.4), dbSNP rs139434525, ClinGen allele CA10564139.

ClinVar aggregate classification (germline): Uncertain significance. Review status: criteria provided, multiple submitters, no conflicts (2 of 4 stars). 2 submissions from 2 submitters: Uncertain significance (2). Last evaluated 2026-06-17.

Conditions:
PLXNA3-related disorder. Also called: PLXNA3-related condition.

Allele frequency attached by ClinVar (database versions not stated): gnomAD exomes 0.00005; ExAC 0.00011; gnomAD 0.00017; TOPMed 0.00018; 1000 Genomes Project 30x 0.00021; 1000 Genomes Project 0.00026; ESP Exome Variant Server 0.00038.
gnomAD v4.1: 67 of 1,207,765 alleles (0.0055%); highest among the groups gnomAD compares: African/African-American, 0.033%; no homozygotes.

Submissions (2):

PreventionGenetics, part of Exact Sciences
Classification: Uncertain significance for PLXNA3-related condition. Last evaluated: 2026-06-17. Review status: criteria provided, single submitter. Criteria: ACMG Guidelines, 2015. Collection method: clinical testing. Allele origin: germline.
Comment: The PLXNA3 c.1678G>A variant is predicted to result in the amino acid substitution p.Val560Ile. To our knowledge, this variant has not been reported in the literature. This variant is reported in 0.038% of alleles in individuals of African descent in gnomAD. At this time, the clinical significance of this variant is uncertain due to the absence of conclusive functional and genetic evidence.

Ambry Genetics
Classification: Uncertain significance. Last evaluated: 2024-05-09. Review status: criteria provided, single submitter. Criteria: Ambry Variant Classification Scheme 2023. Collection method: clinical testing. Allele origin: germline.